The following is an entry in ClinVar:

ClinVar aggregate classification (germline): Uncertain significance (1 of 4 stars; one submission).

Allele frequency attached by ClinVar (database versions not stated): ExAC 0.00061; 1000 Genomes Project 30x 0.00078; 1000 Genomes Project 0.00080; gnomAD 0.00129; TOPMed 0.00143; ESP Exome Variant Server 0.00175.
gnomAD v4.1: 358 of 1,550,898 alleles (0.023%); highest among the groups gnomAD compares: African/African-American, 0.43%; no homozygotes.

Submission:

Greenwood Genetic Center Diagnostic Laboratories, Greenwood Genetic Center
Classification: Uncertain significance. Last evaluated: 2023-08-01. Review status: criteria provided, single submitter. Criteria: ACMG Guidelines, 2015. Collection method: clinical testing. Allele origin: germline. Affected: yes.
Comment: Gene of Uncertain Significance

NM_001367479.1(DNAH14):c.12103T>A (p.Ser4035Thr)

Gene: DNAH14 (dynein axonemal heavy chain 14; plus strand). Cytogenetic location: 1q42.12.
Variant type: single nucleotide variant.
Coding change: c.12103T>A on transcript NM_001367479.1 (MANE Select); coding-DNA position 12103, T replaced by A.
Protein change: p.Ser4035Thr; replaces serine 4035 with threonine.
Molecular consequence: missense variant.
Genome position (GRCh38, 1-based): chr1:225,367,817, T>A. VCF-style: chr1-225367817-T-A. GRCh37 (hg19) VCF-style: chr1-225555519-T-A.
Other names: short protein forms S4035T.
Identifiers: ClinVar variation 2627015 (VCV002627015.1), dbSNP rs141510580, ClinGen allele CA1416807.